The following is an entry in ClinVar:

NM_003201.3(TFAM):c.697C>T (p.Arg233Cys)

Gene: TFAM (transcription factor A, mitochondrial; plus strand). Cytogenetic location: 10q21.1.
Variant type: single nucleotide variant.
Coding change: c.697C>T on transcript NM_003201.3 (MANE Select); coding-DNA position 697, C replaced by T.
Protein change: p.Arg233Cys; replaces arginine 233 with cysteine.
Molecular consequence: missense variant. On other transcripts: non-coding transcript variant (1).
Genome position (GRCh38, 1-based): chr10:58,395,030, C>T. VCF-style: chr10-58395030-C-T. GRCh37 (hg19) VCF-style: chr10-60154790-C-T.
Other names: c.697C>T (NM_003201.1); c.601C>T, p.Arg201Cys (NM_001270782.2); short protein forms R201C, R233C.
Identifiers: ClinVar variation 2218299 (VCV002218299.8), dbSNP rs145270469, ClinGen allele CA5508066.

ClinVar aggregate classification (germline): Uncertain significance. Review status: criteria provided, multiple submitters, no conflicts (2 of 4 stars). 2 submissions from 2 submitters: Uncertain significance (2). Last evaluated 2025-09-02.

Allele frequency attached by ClinVar (database versions not stated): gnomAD 0.00001; TOPMed 0.00002; ExAC 0.00003; gnomAD exomes 0.00005; ESP Exome Variant Server 0.00015.
gnomAD v4.1: 72 of 1,613,404 alleles (0.0045%); highest among the groups gnomAD compares: Non-Finnish European, 0.0055%; no homozygotes.

Submissions (2):

Labcorp Genetics (formerly Invitae), Labcorp
Classification: Uncertain significance. Last evaluated: 2025-09-02. Review status: criteria provided, single submitter. Criteria: Invitae Variant Classification Sherloc (09022015). Collection method: clinical testing. Allele origin: germline.
Comment: This sequence change replaces arginine, which is basic and polar, with cysteine, which is neutral and slightly polar, at codon 233 of the TFAM protein (p.Arg233Cys). This variant is present in population databases (rs145270469, gnomAD 0.004%). This variant has not been reported in the literature in individuals affected with TFAM-related conditions. ClinVar contains an entry for this variant (Variation ID: 2218299). An algorithm developed to predict the effect of missense changes on protein structure and function (PolyPhen-2) suggests that this variant is likely to be disruptive. In summary, the available evidence is currently insufficient to determine the role of this variant in disease. Therefore, it has been classified as a Variant of Uncertain Significance.

Ambry Genetics
Classification: Uncertain significance. Last evaluated: 2022-12-13. Review status: criteria provided, single submitter. Criteria: Ambry Variant Classification Scheme 2023. Collection method: clinical testing. Allele origin: germline.